The following is an entry in ClinVar:

NM_001382.4(DPAGT1):c.495G>A (p.Leu165=)

Gene: DPAGT1 (dolichyl-phosphate N-acetylglucosaminephosphotransferase 1; minus strand). Cytogenetic location: 11q23.3.
Variant type: single nucleotide variant.
Coding change: c.495G>A on transcript NM_001382.4 (MANE Select); coding-DNA position 495, G replaced by A.
Protein change: p.Leu165=; no amino-acid change (leucine 165 retained).
Molecular consequence: synonymous variant.
Genome position (GRCh38, 1-based): chr11:119,100,631, C>T on the plus strand (G>A on the coding strand, the complement: DPAGT1 is on the minus strand). VCF-style: chr11-119100631-C-T. GRCh37 (hg19) VCF-style: chr11-118971341-C-T.
Identifiers: ClinVar variation 848846 (VCV000848846.10), dbSNP rs373632825, ClinGen allele CA6314624.

ClinVar aggregate classification (germline): Uncertain significance (1 of 4 stars; one submission).

Conditions:
Congenital myasthenic syndrome 13 (CMS13). Also called: Myasthenic syndrome, congenital, with tubular aggregates 2; Myasthenic syndrome, congenital, 13, with tubular aggregates. Identifiers: Orphanet 353327, Orphanet 590, MedGen C3553645, MONDO:0013883, OMIM 614750.
DPAGT1-congenital disorder of glycosylation. Also called: CONGENITAL DISORDER OF GLYCOSYLATION, TYPE Ij; CDG Ij; DPAGT1-CDG. Identifiers: Orphanet 86309, MedGen C2931004, MONDO:0011964, OMIM 608093.

Allele frequency attached by ClinVar (database versions not stated): ExAC 0.00001; gnomAD 0.00001; gnomAD exomes 0.00001 and 0.00004; TOPMed 0.00002; ESP Exome Variant Server 0.00008.
gnomAD v4.1: 58 of 1,613,884 alleles (0.0036%); highest among the groups gnomAD compares: Non-Finnish European, 0.0047%; no homozygotes.

Submission:

Labcorp Genetics (formerly Invitae), Labcorp
Classification: Uncertain significance for Congenital myasthenic syndrome 13; DPAGT1-congenital disorder of glycosylation. Last evaluated: 2023-04-10. Review status: criteria provided, single submitter. Criteria: Invitae Variant Classification Sherloc (09022015). Collection method: clinical testing. Allele origin: germline.
Comment: In summary, the available evidence is currently insufficient to determine the role of this variant in disease. Therefore, it has been classified as a Variant of Uncertain Significance. Algorithms developed to predict the effect of sequence changes on RNA splicing suggest that this variant is not likely to affect RNA splicing. ClinVar contains an entry for this variant (Variation ID: 848846). This variant has not been reported in the literature in individuals affected with DPAGT1-related conditions. This variant is present in population databases (rs373632825, gnomAD 0.002%). This sequence change affects codon 165 of the DPAGT1 mRNA. It is a 'silent' change, meaning that it does not change the encoded amino acid sequence of the DPAGT1 protein. It affects a nucleotide within the consensus splice site.